The following is an entry in ClinVar:

ClinVar aggregate classification (germline): Uncertain significance. Review status: criteria provided, multiple submitters, no conflicts (2 of 4 stars). 3 submissions from 3 submitters: Uncertain significance (3). Last evaluated 2025-04-18.

Conditions:
SLC7A9-related disorder. Also called: SLC7A9-related condition.
Cystinuria (CSNU). Also called: CYSTINURIA, TYPE I; CYSTINURIA, TYPE II; CYSTINURIA, TYPE III; Cystinuria, non-type I. Identifiers: Orphanet 214, MedGen C0010691, MONDO:0009067, OMIM 220100, HP:0003131.

Allele frequency attached by ClinVar (database versions not stated): TOPMed 0.00005; gnomAD 0.00006; gnomAD exomes 0.00006; ExAC 0.00007; ESP Exome Variant Server 0.00008.
gnomAD v4.1: 121 of 1,614,010 alleles (0.0075%); highest among the groups gnomAD compares: Non-Finnish European, 0.0091%; no homozygotes.

Submissions (3):

PreventionGenetics, part of Exact Sciences
Classification: Uncertain significance for SLC7A9-related condition. Last evaluated: 2025-04-18. Review status: criteria provided, single submitter. Criteria: ACMG Guidelines, 2015. Collection method: clinical testing. Allele origin: germline.
Comment: The SLC7A9 c.44C>T variant is predicted to result in the amino acid substitution p.Ser15Leu. To our knowledge, this variant has not been reported in the literature. This variant is reported in 0.014% of alleles in individuals of Latino descent in gnomAD. At this time, the clinical significance of this variant is uncertain due to the absence of conclusive functional and genetic evidence.

Labcorp Genetics (formerly Invitae), Labcorp
Classification: Uncertain significance. Last evaluated: 2024-09-11. Review status: criteria provided, single submitter. Criteria: Invitae Variant Classification Sherloc (09022015). Collection method: clinical testing. Allele origin: germline.
Comment: This sequence change replaces serine, which is neutral and polar, with leucine, which is neutral and non-polar, at codon 15 of the SLC7A9 protein (p.Ser15Leu). This variant is present in population databases (rs148435870, gnomAD 0.01%). This missense change has been observed in individual(s) with cystinuria (PMID: 25109415). ClinVar contains an entry for this variant (Variation ID: 1057911). An algorithm developed to predict the effect of missense changes on protein structure and function (PolyPhen-2) suggests that this variant¬†is likely to be tolerated. In summary, the available evidence is currently insufficient to determine the role of this variant in disease. Therefore, it has been classified as a Variant of Uncertain Significance.

Fulgent Genetics
Classification: Uncertain significance for Cystinuria. Last evaluated: 2024-05-20. Review status: criteria provided, single submitter. Criteria: ACMG Guidelines, 2015. Collection method: clinical testing. Allele origin: germline.

Literature cited by the submitters: PubMed 25109415 (cited by Labcorp Genetics (formerly Invitae), Labcorp).

NM_014270.5(SLC7A9):c.44C>T (p.Ser15Leu)

Gene: SLC7A9 (solute carrier family 7 member 9; minus strand). Cytogenetic location: 19q13.11.
Variant type: single nucleotide variant.
Coding change: c.44C>T on transcript NM_014270.5 (MANE Select); coding-DNA position 44, C replaced by T.
Protein change: p.Ser15Leu; replaces serine 15 with leucine.
Molecular consequence: missense variant.
Genome position (GRCh38, 1-based): chr19:32,868,491, G>A on the plus strand (C>T on the coding strand, the complement: SLC7A9 is on the minus strand). VCF-style: chr19-32868491-G-A. GRCh37 (hg19) VCF-style: chr19-33359397-G-A.
Other names: c.44C>T, p.Ser15Leu (NM_001126335.2, NM_001243036.2); c.44C>T (NM_014270.4); short protein forms S15L.
Identifiers: ClinVar variation 1057911 (VCV001057911.11), dbSNP rs148435870, ClinGen allele CA9358976.